The following is an entry in ClinVar:

NM_004715.5(CTDP1):c.220G>C (p.Val74Leu)

Gene: CTDP1 (CTD phosphatase subunit 1; plus strand). Cytogenetic location: 18q23.
Variant type: single nucleotide variant.
Coding change: c.220G>C on transcript NM_004715.5 (MANE Select); coding-DNA position 220, G replaced by C.
Protein change: p.Val74Leu; replaces valine 74 with leucine.
Molecular consequence: missense variant.
Genome position (GRCh38, 1-based): chr18:79,680,167, G>C. VCF-style: chr18-79680167-G-C. GRCh37 (hg19) VCF-style: chr18-77440167-G-C.
Other names: p.Val74Leu; c.220G>C, p.Val74Leu (NM_001318511.2, NM_048368.4); c.220G>C (NM_004715.4); short protein forms V74L.
Identifiers: ClinVar variation 1495701 (VCV001495701.8), dbSNP rs936183704, ClinGen allele CA303774036.

ClinVar aggregate classification (germline): Uncertain significance. Review status: criteria provided, multiple submitters, no conflicts (2 of 4 stars). 3 submissions from 3 submitters: Uncertain significance (3). Last evaluated 2024-03-18.

Conditions:
Congenital cataracts-facial dysmorphism-neuropathy syndrome (CCFDN). Also called: CTDP1-Related Congenital Cataracts, Facial Dysmorphism, and Neuropathy; CATARACT, CONGENITAL, WITH FACIAL DYSMORPHISM AND NEUROPATHY. Identifiers: Orphanet 48431, MedGen C1858726, MONDO:0011402, OMIM 604168.

Allele frequency attached by ClinVar (database versions not stated): gnomAD 0.00001; gnomAD exomes 0.00002; TOPMed 0.00002.
gnomAD v4.1: 27 of 1,387,474 alleles (0.0019%); highest among the groups gnomAD compares: Middle Eastern, 0.026%; no homozygotes.

Submissions (3):

Fulgent Genetics
Classification: Uncertain significance for Congenital cataracts-facial dysmorphism-neuropathy syndrome. Last evaluated: 2024-03-18. Review status: criteria provided, single submitter. Criteria: ACMG Guidelines, 2015. Collection method: clinical testing. Allele origin: germline.

Mayo Clinic Laboratories, Mayo Clinic
Classification: Uncertain significance. Last evaluated: 2023-10-02. Review status: criteria provided, single submitter. Criteria: ACMG Guidelines, 2015. Collection method: clinical testing. Allele origin: germline. Observed: 1 variant allele.
Comment: BP4, PM2_moderate

Labcorp Genetics (formerly Invitae), Labcorp
Classification: Uncertain significance. Last evaluated: 2021-11-24. Review status: criteria provided, single submitter. Criteria: Invitae Variant Classification Sherloc (09022015). Collection method: clinical testing. Allele origin: germline.
Comment: This sequence change replaces valine, which is neutral and non-polar, with leucine, which is neutral and non-polar, at codon 74 of the CTDP1 protein (p.Val74Leu). This variant is not present in population databases (gnomAD no frequency). This variant has not been reported in the literature in individuals affected with CTDP1-related conditions. Algorithms developed to predict the effect of missense changes on protein structure and function (SIFT, PolyPhen-2, Align-GVGD) all suggest that this variant is likely to be tolerated. In summary, the available evidence is currently insufficient to determine the role of this variant in disease. Therefore, it has been classified as a Variant of Uncertain Significance.